The following is an entry in ClinVar:

ClinVar aggregate classification (germline): Pathogenic (1 of 4 stars; one submission).

Conditions:
Progressive sclerosing poliodystrophy (MTDPS4A). Also called: Mitochondrial DNA Depletion Syndrome 4A; Alpers-Huttenlocher Syndrome (AHS); ALPERS PROGRESSIVE INFANTILE POLIODYSTROPHY; NEURONAL DEGENERATION OF CHILDHOOD WITH LIVER DISEASE, PROGRESSIVE; Mitochondrial DNA depletion syndrome 4A (Alpers type); Alpers Syndrome. Identifiers: Orphanet 726, MedGen C0205710, MONDO:0008758, OMIM 203700.

Submission:

Labcorp Genetics (formerly Invitae), Labcorp
Classification: Pathogenic for Progressive sclerosing poliodystrophy. Last evaluated: 2023-10-17. Review status: criteria provided, single submitter. Criteria: Invitae Variant Classification Sherloc (09022015). Collection method: clinical testing. Allele origin: germline.
Comment: This variant results in the deletion of exons 19-20 and part of exon 18 (c.2820_3273+1del) of the POLG gene. It is expected to disrupt RNA splicing. Variants that disrupt the donor or acceptor splice site typically lead to a loss of protein function (PMID: 16199547), and loss-of-function variants in POLG are known to be pathogenic (PMID: 18546365). This variant has not been reported in the literature in individuals affected with POLG-related conditions. This variant disrupts a region of the POLG protein in which other variant(s) (p.Pro1073Leu) have been determined to be pathogenic (PMID: 20142534, 20883824, 21880868, 25914719). This suggests that this is a clinically significant region of the protein, and that variants that disrupt it are likely to be disease-causing. For these reasons, this variant has been classified as Pathogenic.

Literature cited by the submitters: PubMed 16199547; PubMed 18546365; PubMed 20142534; PubMed 20883824; PubMed 21880868; PubMed 25914719.

NC_000015.9:g.(?_89862161)_(89864158_?)del

Gene: POLG (DNA polymerase gamma, catalytic subunit; minus strand). Cytogenetic location: 15q26.1.
Variant type: Deletion.
Identifiers: ClinVar variation 2424522 (VCV002424522.5).